The following is an entry in ClinVar:

ClinVar aggregate classification (germline): Uncertain significance. Review status: criteria provided, multiple submitters, no conflicts (2 of 4 stars). 2 submissions from 2 submitters: Uncertain significance (2). Last evaluated 2026-01-12.

Conditions:
Arrhythmogenic right ventricular dysplasia 13. Also called: Arrhythmogenic right ventricular dysplasia, familial, 13; ARRHYTHMOGENIC RIGHT VENTRICULAR CARDIOMYOPATHY 13. Identifiers: MedGen C3810138, MONDO:0000908, OMIM 615616.

gnomAD v4.1: 1 of 1,614,106 alleles (0.000062%); highest among the groups gnomAD compares: Admixed American, 0.0017%; no homozygotes.

Submissions (2):

Labcorp Genetics (formerly Invitae), Labcorp
Classification: Uncertain significance for Arrhythmogenic right ventricular dysplasia 13. Last evaluated: 2026-01-12. Review status: criteria provided, single submitter. Criteria: Invitae Variant Classification Sherloc (09022015). Collection method: clinical testing. Allele origin: germline.
Comment: This sequence change replaces aspartic acid, which is acidic and polar, with asparagine, which is neutral and polar, at codon 527 of the CTNNA3 protein (p.Asp527Asn). This variant is present in population databases (no rsID available, gnomAD 0.003%). This variant has not been reported in the literature in individuals affected with CTNNA3-related conditions. Invitae Evidence Modeling of protein sequence and biophysical properties (such as structural, functional, and spatial information, amino acid conservation, physicochemical variation, residue mobility, and thermodynamic stability) indicates that this missense variant is not expected to disrupt CTNNA3 protein function with a negative predictive value of 80%. In summary, the available evidence is currently insufficient to determine the role of this variant in disease. Therefore, it has been classified as a Variant of Uncertain Significance.

Ambry Genetics
Classification: Uncertain significance. Last evaluated: 2026-01-06. Review status: criteria provided, single submitter. Criteria: Ambry Variant Classification Scheme 2023. Collection method: clinical testing. Allele origin: germline.
Comment: The p.D527N variant (also known as c.1579G>A), located in coding exon 11 of the CTNNA3 gene, results from a G to A substitution at nucleotide position 1579. The aspartic acid at codon 527 is replaced by asparagine, an amino acid with highly similar properties. This amino acid position is conserved. In addition, this alteration is predicted to be tolerated by in silico analysis. Based on the available evidence, the clinical significance of this variant remains unclear.

NM_013266.4(CTNNA3):c.1579G>A (p.Asp527Asn)

Gene: CTNNA3 (catenin alpha 3; minus strand). Cytogenetic location: 10q21.3.
Variant type: single nucleotide variant.
Coding change: c.1579G>A on transcript NM_013266.4 (MANE Select); coding-DNA position 1579, G replaced by A.
Protein change: p.Asp527Asn; replaces aspartic acid 527 with asparagine.
Molecular consequence: missense variant.
Genome position (GRCh38, 1-based): chr10:66,379,305, C>T on the plus strand (G>A on the coding strand, the complement: CTNNA3 is on the minus strand). VCF-style: chr10-66379305-C-T. GRCh37 (hg19) VCF-style: chr10-68139063-C-T.
Other names: c.1579G>A (NM_013266.2); c.1579G>A, p.Asp527Asn (NM_001127384.3); short protein forms D527N.
Identifiers: ClinVar variation 4737216 (VCV004737216.2).
Genomic context (GRCh38, chr10:66,379,305, plus strand): 5'-CTCTTGCTGCCCGGCCTCTGATAGCACCCGCAGCACGGTCTAAATTATCAGCATCCTGGT[C>T]TCTTAAGGCTATGATACACTTGTTGACATCTTCCAAGATATGGCTTTCTGTAAGTAAATG-3'
Protein context (NP_037398.2, residues 517-537): DVNKCIIALR[Asp527Asn]QDADNLDRAA